The following is an entry in ClinVar:

ClinVar aggregate classification (germline): Likely benign (1 of 4 stars; one submission).

gnomAD v4.1: 420 of 1,033,638 alleles (0.041%); highest among the groups gnomAD compares: Non-Finnish European, 0.046%; no homozygotes.

Submission:

CeGaT Center for Human Genetics Tuebingen
Classification: Likely benign. Last evaluated: 2025-09-01. Review status: criteria provided, single submitter. Criteria: CeGaT Center For Human Genetics Tuebingen Variant Classification Criteria Version 2. Collection method: clinical testing. Allele origin: germline. Affected: yes. Observed: 1 variant allele.
Comment: ANK2: BS1

NM_001148.6(ANK2):c.11859+1289T>C

Gene: ANK2 (ankyrin 2; plus strand). Cytogenetic location: 4q26.
Variant type: single nucleotide variant.
Coding change: c.11859+1289T>C on transcript NM_001148.6 (MANE Select); 1289 bases into the intron after coding-DNA position 11859, T replaced by C.
Molecular consequence: intron variant.
Genome position (GRCh38, 1-based): chr4:113,374,738, T>C. VCF-style: chr4-113374738-T-C. GRCh37 (hg19) VCF-style: chr4-114295894-T-C.
Other names: c.5590-26T>C (NM_001386186.2); c.5589+1289T>C (NM_001386148.2); c.5391+1289T>C (NM_001354269.3); c.5469+1289T>C (NM_001386187.2); c.5431-26T>C (NM_001386147.1); c.5449-26T>C (NM_001386160.1); c.5553+1289T>C (NM_001354254.2); c.5667+1289T>C (NM_001354239.2); and 60 more.
Identifiers: ClinVar variation 4280881 (VCV004280881.7).